The following is an entry in ClinVar:

ClinVar aggregate classification (germline): Uncertain significance (1 of 4 stars; one submission).

gnomAD v4.1: 1 of 1,614,214 alleles (0.000062%); no homozygotes.

Submission:

GeneDx
Classification: Uncertain significance. Last evaluated: 2025-02-02. Review status: criteria provided, single submitter. Criteria: GeneDx Variant Classification Process June 2021. Collection method: clinical testing. Allele origin: germline. Affected: yes.
Comment: In silico analysis supports that this missense variant has a deleterious effect on protein structure/function; Missense variants in this gene are a common cause of disease and they are underrepresented in the general population; Has not been previously published as pathogenic or benign to our knowledge

NM_006009.4(TUBA1A):c.1016G>A (p.Arg339His)

Gene: TUBA1A (tubulin alpha 1a; minus strand). Cytogenetic location: 12q13.12.
Variant type: single nucleotide variant.
Coding change: c.1016G>A on transcript NM_006009.4 (MANE Select); coding-DNA position 1016, G replaced by A.
Protein change: p.Arg339His; replaces arginine 339 with histidine.
Molecular consequence: missense variant.
Genome position (GRCh38, 1-based): chr12:49,185,350, C>T on the plus strand (G>A on the coding strand, the complement: TUBA1A is on the minus strand). VCF-style: chr12-49185350-C-T. GRCh37 (hg19) VCF-style: chr12-49579133-C-T.
Other names: c.1016G>A, p.Arg339His (NM_001270399.2); c.911G>A, p.Arg304His (NM_001270400.2); short protein forms R304H, R339H.
Identifiers: ClinVar variation 4072450 (VCV004072450.1).